The following is an entry in ClinVar:

NM_033310.3(KCNK4):c.32C>T (p.Ala11Val)

Genes: KCNK4 (potassium two pore domain channel subfamily K member 4; plus strand), KCNK4-CATSPERZ (KCNK4-CATSPERZ readthrough (NMD candidate); plus strand). Cytogenetic location: 11q13.1.
Variant type: single nucleotide variant.
Coding change: c.32C>T on transcript NM_033310.3 (MANE Select); coding-DNA position 32, C replaced by T.
Protein change: p.Ala11Val; replaces alanine 11 with valine.
Molecular consequence: missense variant. On other transcripts: non-coding transcript variant (2).
Genome position (GRCh38, 1-based): chr11:64,293,050, C>T. VCF-style: chr11-64293050-C-T. GRCh37 (hg19) VCF-style: chr11-64060522-C-T.
Other names: c.32C>T, p.Ala11Val (NM_001317090.2); short protein forms A11V.
Identifiers: ClinVar variation 4735724 (VCV004735724.1).

ClinVar aggregate classification (germline): Uncertain significance (1 of 4 stars; one submission).

Submission:

Labcorp Genetics (formerly Invitae), Labcorp
Classification: Uncertain significance. Last evaluated: 2026-01-19. Review status: criteria provided, single submitter. Criteria: Invitae Variant Classification Sherloc (09022015). Collection method: clinical testing. Allele origin: germline.
Comment: This sequence change replaces alanine, which is neutral and non-polar, with valine, which is neutral and non-polar, at codon 11 of the KCNK4 protein (p.Ala11Val). This variant is not present in population databases (gnomAD no frequency). This variant has not been reported in the literature in individuals affected with KCNK4-related conditions. An algorithm developed to predict the effect of missense changes on protein structure and function (PolyPhen-2) suggests that this variant is likely to be disruptive. In summary, the available evidence is currently insufficient to determine the role of this variant in disease. Therefore, it has been classified as a Variant of Uncertain Significance.